The following is an entry in ClinVar:

ClinVar aggregate classification (germline): Uncertain significance. Review status: criteria provided, multiple submitters, no conflicts (2 of 4 stars). 3 submissions from 3 submitters: Uncertain significance (3). Last evaluated 2025-06-17.

Conditions:
Inborn genetic diseases. Identifiers: MedGen C0950123, MeSH D030342.
Familial hemophagocytic lymphohistiocytosis 2 (FHL2). Also called: PRF1-Related Familial Hemophagocytic Lymphohistiocytosis (PRF1-fHLH). Identifiers: Orphanet 540, MedGen C1863727, MONDO:0011337, OMIM 603553.

Allele frequency attached by ClinVar (database versions not stated): ExAC 0.00005; gnomAD 0.00005; ESP Exome Variant Server 0.00008; gnomAD exomes 0.00008; TOPMed 0.00008.

Submissions (3):

St. Jude Molecular Pathology, St. Jude Children's Research Hospital
Classification: Uncertain significance for Familial hemophagocytic lymphohistiocytosis 2. Last evaluated: 2025-06-17. Review status: criteria provided, single submitter. Criteria: St. Jude Assertion Criteria 2020. Collection method: clinical testing. Allele origin: germline.
Comment: The PRF1 c.164G>A p.(Arg55His) missense change has a maximum subpopulation frequency of 0.03% in gnomAD v2.1.1. The in silico tool REVEL predicts a benign effect on protein function, but to our knowledge this prediction has not been confirmed by functional studies. To our knowledge, this variant has not been reported in individuals with familial HLH. In summary, the evidence currently available is insufficient to determine the clinical significance of this variant. It has therefore been classified as of uncertain significance.

Ambry Genetics
Classification: Uncertain significance for Inborn genetic diseases. Last evaluated: 2023-04-18. Review status: criteria provided, single submitter. Criteria: Ambry Variant Classification Scheme 2023. Collection method: clinical testing. Allele origin: germline.

Labcorp Genetics (formerly Invitae), Labcorp
Classification: Uncertain significance for Familial hemophagocytic lymphohistiocytosis 2. Last evaluated: 2022-08-23. Review status: criteria provided, single submitter. Criteria: Invitae Variant Classification Sherloc (09022015). Collection method: clinical testing. Allele origin: germline.
Comment: This sequence change replaces arginine, which is basic and polar, with histidine, which is basic and polar, at codon 55 of the PRF1 protein (p.Arg55His). This variant is present in population databases (rs140385034, gnomAD 0.03%). This variant has not been reported in the literature in individuals affected with PRF1-related conditions. ClinVar contains an entry for this variant (Variation ID: 1417277). Algorithms developed to predict the effect of missense changes on protein structure and function output the following: SIFT: "Tolerated"; PolyPhen-2: "Benign"; Align-GVGD: "Class C0". The histidine amino acid residue is found in multiple mammalian species, which suggests that this missense change does not adversely affect protein function. In summary, the available evidence is currently insufficient to determine the role of this variant in disease. Therefore, it has been classified as a Variant of Uncertain Significance.

NM_001083116.3(PRF1):c.164G>A (p.Arg55His)

Gene: PRF1 (perforin 1; minus strand). Cytogenetic location: 10q22.1.
Variant type: single nucleotide variant.
Coding change: c.164G>A on transcript NM_001083116.3 (MANE Select); coding-DNA position 164, G replaced by A.
Protein change: p.Arg55His; replaces arginine 55 with histidine.
Molecular consequence: missense variant.
Genome position (GRCh38, 1-based): chr10:70,600,739, C>T on the plus strand (G>A on the coding strand, the complement: PRF1 is on the minus strand). VCF-style: chr10-70600739-C-T. GRCh37 (hg19) VCF-style: chr10-72360495-C-T.
Other names: c.164G>A (NM_001083116.1, NM_005041.5); c.164G>A, p.Arg55His (NM_005041.6); short protein forms R55H.
Identifiers: ClinVar variation 1417277 (VCV001417277.8), dbSNP rs140385034, ClinGen allele CA5539110.
Genomic context (GRCh38, chr10:70,600,739, plus strand): 5'-AGGGTGCAGGTGCCGTCGGGCCGCAGGAACCTTTGTGTGTCCACTGGGAAGGAGCCCGAG[C>T]GGCGGAGGCTGGTCACGTCCACACCCTCCCCGGCCAGCCATGCACCAGGCACGAACTTGT-3'
Protein context (NP_001076585.1, residues 45-65): GEGVDVTSLR[Arg55His]SGSFPVDTQR